The following is an entry in ClinVar:

NM_000443.4(ABCB4):c.261T>G (p.Asp87Glu)

Gene: ABCB4 (ATP binding cassette subfamily B member 4; minus strand). Cytogenetic location: 7q21.12.
Variant type: single nucleotide variant.
Coding change: c.261T>G on transcript NM_000443.4 (MANE Select); coding-DNA position 261, T replaced by G.
Protein change: p.Asp87Glu; replaces aspartic acid 87 with glutamic acid.
Molecular consequence: missense variant.
Genome position (GRCh38, 1-based): chr7:87,462,783, A>C on the plus strand (T>G on the coding strand, the complement: ABCB4 is on the minus strand). VCF-style: chr7-87462783-A-C. GRCh37 (hg19) VCF-style: chr7-87092099-A-C.
Other names: c.261T>G, p.Asp87Glu (NM_018849.3, NM_018850.3); short protein forms D87E.
Identifiers: ClinVar variation 4846423 (VCV004846423.1).

ClinVar aggregate classification (germline): Uncertain significance (1 of 4 stars; one submission).

Conditions:
Familial intrahepatic cholestasis. Identifiers: Orphanet 284385, MedGen CN296401, MONDO:0017290.
Low phospholipid associated cholelithiasis (GBD1). Also called: Gallbladder disease 1; Gallstone cholecystitis. Identifiers: Orphanet 69663, MedGen C2609268, MONDO:0010939, OMIM 600803.

Submission:

Genomenon, Inc
Classification: Uncertain significance for Familial intrahepatic cholestasis; Low phospholipid associated cholelithiasis. Last evaluated: 2026-04-14. Review status: criteria provided, single submitter. Criteria: Genomenon Sequence Variant Interpretation Standards - Updated. Collection method: curation. Allele origin: germline. Affected: no.
Comment: ABCB4 p.Asp87Glu (c.261T>G) is a missense variant that changes the amino acid at residue 87 from Aspartic acid to Glutamic acid. This variant has been reported in the published literature (PMID:16763017). It is absent or not present at a significant frequency in gnomAD. In silico models predict that this variant is not damaging. In conclusion, we classify ABCB4 p.Asp87Glu (c.261T>G) as a variant of uncertain significance.

Literature cited by the submitters: PubMed 16763017.